The following is an entry in ClinVar:

ClinVar aggregate classification (germline): Uncertain significance. Review status: criteria provided, multiple submitters, no conflicts (2 of 4 stars). 2 submissions from 2 submitters: Uncertain significance (2). Last evaluated 2024-10-15.

Conditions:
Autosomal recessive ataxia, Beauce type. Also called: SYNE1-Related Autosomal Recessive Cerebellar Ataxia; Spinocerebellar ataxia, autosomal recessive 8; ATAXIA, RECESSIVE, OF BEAUCE; SYNE1 Deficiency. Identifiers: Orphanet 88644, MedGen C1853116, MONDO:0012549, OMIM 610743.
Emery-Dreifuss muscular dystrophy 4, autosomal dominant (EDMD4). Also called: EMERY-DREIFUSS MUSCULAR DYSTROPHY 4 WITH VARIABLE FEATURES. Identifiers: Orphanet 261, MedGen C2751807, MONDO:0013071, OMIM 612998.

Allele frequency attached by ClinVar (database versions not stated): gnomAD exomes below 0.00001; TOPMed below 0.00001.
gnomAD v4.1: 3 of 1,612,144 alleles (0.00019%); highest among the groups gnomAD compares: Non-Finnish European, 0.00017%; no homozygotes.

Submissions (2):

Labcorp Genetics (formerly Invitae), Labcorp
Classification: Uncertain significance for Emery-Dreifuss muscular dystrophy 4, autosomal dominant; Autosomal recessive ataxia, Beauce type. Last evaluated: 2024-10-15. Review status: criteria provided, single submitter. Criteria: Invitae Variant Classification Sherloc (09022015). Collection method: clinical testing. Allele origin: germline.
Comment: This sequence change replaces lysine, which is basic and polar, with arginine, which is basic and polar, at codon 579 of the SYNE1 protein (p.Lys579Arg). This variant is not present in population databases (gnomAD no frequency). This variant has not been reported in the literature in individuals affected with SYNE1-related conditions. ClinVar contains an entry for this variant (Variation ID: 1493719). An algorithm developed to predict the effect of missense changes on protein structure and function (PolyPhen-2) suggests that this variant¬¨‚Ä†is likely to be tolerated. In summary, the available evidence is currently insufficient to determine the role of this variant in disease. Therefore, it has been classified as a Variant of Uncertain Significance.

GeneDx
Classification: Uncertain significance. Last evaluated: 2023-06-14. Review status: criteria provided, single submitter. Criteria: GeneDx Variant Classification Process June 2021. Collection method: clinical testing. Allele origin: germline. Affected: yes.
Comment: Not observed at significant frequency in large population cohorts (gnomAD); In silico analysis supports that this missense variant does not alter protein structure/function; Has not been previously published as pathogenic or benign to our knowledge

NM_182961.4(SYNE1):c.1715A>G (p.Lys572Arg)

Gene: SYNE1 (spectrin repeat containing nuclear envelope protein 1; minus strand). Cytogenetic location: 6q25.2.
Variant type: single nucleotide variant.
Coding change: c.1715A>G on transcript NM_182961.4 (MANE Select); coding-DNA position 1715, A replaced by G.
Protein change: p.Lys572Arg; replaces lysine 572 with arginine.
Molecular consequence: missense variant.
Genome position (GRCh38, 1-based): chr6:152,465,996, T>C on the plus strand (A>G on the coding strand, the complement: SYNE1 is on the minus strand). VCF-style: chr6-152465996-T-C. GRCh37 (hg19) VCF-style: chr6-152787131-T-C.
Other names: c.1736A>G, p.Lys579Arg (NM_033071.5); c.1736A>G (NM_033071.3); short protein forms K579R, K572R.
Identifiers: ClinVar variation 1493719 (VCV001493719.6), dbSNP rs1192063694, ClinGen allele CA366128474.